The following is an entry in ClinVar:

NM_004281.4(BAG3):c.1161dup (p.Lys388fs)

Gene: BAG3 (BAG cochaperone 3; plus strand). Cytogenetic location: 10q26.11.
Variant type: Duplication.
Coding change: c.1161dup on transcript NM_004281.4 (MANE Select); coding-DNA position 1161, one base duplicated (C; older notation c.1161dupC).
Protein change: p.Lys388fs; shifts the reading frame from lysine 388.
Molecular consequence: frameshift variant.
Genome position (GRCh38, 1-based): chr10:119,676,715, C duplicated; the last of 5 consecutive C bases (chr10:119,676,711-119,676,715); duplicating any one gives the same sequence. VCF-style (leftmost placement, unchanged base first): chr10-119676710-T-TC. GRCh37 (hg19) VCF-style: chr10-121436222-T-TC.
Other names: c.1161dupC (NM_004281.3); short protein forms K388fs.
Identifiers: ClinVar variation 471798 (VCV000471798.10), dbSNP rs1554877765, ClinGen allele CA658656095.

ClinVar aggregate classification (germline): Pathogenic (1 of 4 stars; one submission).

Conditions:
Dilated cardiomyopathy 1HH (CMD1HH). Identifiers: Orphanet 154, MedGen C3151293, MONDO:0013479, OMIM 613881.
Myofibrillar myopathy 6. Identifiers: Orphanet 199340, MedGen C2751831, MONDO:0013061, OMIM 612954.

Submission:

Labcorp Genetics (formerly Invitae), Labcorp
Classification: Pathogenic for Dilated cardiomyopathy 1HH; Myofibrillar myopathy 6. Last evaluated: 2022-10-18. Review status: criteria provided, single submitter. Criteria: Invitae Variant Classification Sherloc (09022015). Collection method: clinical testing. Allele origin: germline.
Comment: This variant has not been reported in the literature in individuals affected with BAG3-related conditions. This sequence change creates a premature translational stop signal (p.Lys388Glnfs*56) in the BAG3 gene. While this is not anticipated to result in nonsense mediated decay, it is expected to disrupt the last 188 amino acid(s) of the BAG3 protein. This variant is not present in population databases (gnomAD no frequency). ClinVar contains an entry for this variant (Variation ID: 471798). This variant disrupts a region of the BAG3 protein in which other variant(s) (p.Lys449*) have been determined to be pathogenic (Invitae). This suggests that this is a clinically significant region of the protein, and that variants that disrupt it are likely to be disease-causing. For these reasons, this variant has been classified as Pathogenic.